The following is an entry in ClinVar:

NM_004991.4(MECOM):c.566T>C (p.Met189Thr)

Gene: MECOM (MDS1 and EVI1 complex locus; minus strand). Cytogenetic location: 3q26.2.
Variant type: single nucleotide variant.
Coding change: c.566T>C on transcript NM_004991.4 (MANE Select); coding-DNA position 566, T replaced by C.
Protein change: p.Met189Thr; replaces methionine 189 with threonine.
Molecular consequence: missense variant. On other transcripts: initiator codon variant (12).
Genome position (GRCh38, 1-based): chr3:169,131,476, A>G on the plus strand (T>C on the coding strand, the complement: MECOM is on the minus strand). VCF-style: chr3-169131476-A-G. GRCh37 (hg19) VCF-style: chr3-168849264-A-G.
Other names: c.2T>C, p.Met1Thr (NM_001366471.2, NM_001366472.2, NM_001366474.2 and 9 more transcripts); c.566T>C, p.Met189Thr (NM_001366473.2, NM_001366466.2); c.194T>C, p.Met65Thr (NM_001105077.4); short protein forms M189T, M1T, M65T.
Identifiers: ClinVar variation 2618359 (VCV002618359.3), dbSNP rs2549526333, ClinGen allele CA355071463.

ClinVar aggregate classification (germline): Uncertain significance (1 of 4 stars; one submission).

Conditions:
Inborn genetic diseases. Identifiers: MedGen C0950123, MeSH D030342.

Submission:

Ambry Genetics
Classification: Uncertain significance for Inborn genetic diseases. Last evaluated: 2026-08-31. Review status: criteria provided, single submitter. Criteria: Ambry Variant Classification Scheme 2023. Collection method: clinical testing. Allele origin: germline.
Comment: The p.M189T variant (also known as c.566T>C), located in coding exon 4 of the MECOM gene, results from a T to C substitution at nucleotide position 566. The methionine at codon 189 is replaced by threonine, an amino acid with similar properties. This amino acid position is conserved. In addition, this alteration is predicted to be deleterious by in silico analysis. Based on the available evidence, the clinical significance of this variant remains unclear.